The following is an entry in ClinVar:

ClinVar aggregate classification (germline): Likely benign (1 of 4 stars; one submission).

gnomAD v4.1: 2,813 of 1,492,798 alleles (0.19%); highest among the groups gnomAD compares: Non-Finnish European, 0.2%; 586 homozygotes.

Submission:

CeGaT Center for Human Genetics Tuebingen
Classification: Likely benign. Last evaluated: 2025-12-01. Review status: criteria provided, single submitter. Criteria: CeGaT Center For Human Genetics Tuebingen Variant Classification Criteria Version 2. Collection method: clinical testing. Allele origin: germline. Affected: yes. Observed: 2 variant alleles.
Comment: OR4P4: BP4, BS2

NM_001405919.1(OR4P4):c.296T>A (p.Leu99His)

Gene: OR4P4 (olfactory receptor family 4 subfamily P member 4; plus strand). Cytogenetic location: 11q11.
Variant type: single nucleotide variant.
Coding change: c.296T>A on transcript NM_001405919.1 (MANE Select); coding-DNA position 296, T replaced by A.
Protein change: p.Leu99His; replaces leucine 99 with histidine.
Molecular consequence: missense variant.
Genome position (GRCh38, 1-based): chr11:55,638,653, T>A. VCF-style: chr11-55638653-T-A. GRCh37 (hg19) VCF-style: chr11-55406129-T-A.
Other names: c.296T>A, p.Leu99His (NM_001004124.2); short protein forms L99H.
Identifiers: ClinVar variation 3770559 (VCV003770559.13).